The following is an entry in ClinVar:

ClinVar aggregate classification (germline): Uncertain significance (1 of 4 stars; one submission).

gnomAD v4.1: 1 of 1,611,702 alleles (0.000062%); highest among the groups gnomAD compares: Admixed American, 0.0017%; no homozygotes.

Submission:

Ambry Genetics
Classification: Uncertain significance. Last evaluated: 2026-05-19. Review status: criteria provided, single submitter. Criteria: Ambry Variant Classification Scheme 2023. Collection method: clinical testing. Allele origin: germline.
Comment: The p.R279G variant (also known as c.835A>G), located in coding exon 7 of the GEN1 gene, results from an A to G substitution at nucleotide position 835. The arginine at codon 279 is replaced by glycine, an amino acid with dissimilar properties. This amino acid position is conserved. In addition, this alteration is predicted to be tolerated by in silico analysis. Based on the available evidence, the clinical significance of this variant remains unclear.

NM_001130009.3(GEN1):c.835A>G (p.Arg279Gly)

Gene: GEN1 (GEN1 structure-specific endonuclease; plus strand). Cytogenetic location: 2p24.2.
Variant type: single nucleotide variant.
Coding change: c.835A>G on transcript NM_001130009.3 (MANE Select); coding-DNA position 835, A replaced by G.
Protein change: p.Arg279Gly; replaces arginine 279 with glycine.
Molecular consequence: missense variant.
Genome position (GRCh38, 1-based): chr2:17,772,666, A>G. VCF-style: chr2-17772666-A-G. GRCh37 (hg19) VCF-style: chr2-17953933-A-G.
Other names: c.835A>G, p.Arg279Gly (NM_182625.5); short protein forms R279G.
Identifiers: ClinVar variation 4857990 (VCV004857990.1).